The following is an entry in ClinVar:

ClinVar aggregate classification (germline): Uncertain significance. Review status: criteria provided, multiple submitters, no conflicts (2 of 4 stars). 2 submissions from 2 submitters: Uncertain significance (2). Last evaluated 2025-10-21.

Conditions:
Epilepsy, progressive myoclonic, 1B. Also called: PME. Identifiers: Orphanet 308, MedGen C2676254, MONDO:0012904, OMIM 612437.

Submissions (2):

Ambry Genetics
Classification: Uncertain significance. Last evaluated: 2025-10-21. Review status: criteria provided, single submitter. Criteria: Ambry Variant Classification Scheme 2023. Collection method: clinical testing. Allele origin: germline.

Labcorp Genetics (formerly Invitae), Labcorp
Classification: Uncertain significance for Epilepsy, progressive myoclonic, 1B. Last evaluated: 2019-12-12. Review status: criteria provided, single submitter. Criteria: Invitae Variant Classification Sherloc (09022015). Collection method: clinical testing. Allele origin: germline.
Comment: This variant is not present in population databases (ExAC no frequency). This sequence change replaces proline with leucine at codon 609 of the PRICKLE1 protein (p.Pro609Leu). The proline residue is highly conserved and there is a moderate physicochemical difference between proline and leucine. This variant has not been reported in the literature in individuals with PRICKLE1-related conditions. In summary, the available evidence is currently insufficient to determine the role of this variant in disease. Therefore, it has been classified as a Variant of Uncertain Significance. Algorithms developed to predict the effect of missense changes on protein structure and function (SIFT, PolyPhen-2, Align-GVGD) all suggest that this variant is likely to be tolerated, but these predictions have not been confirmed by published functional studies and their clinical significance is uncertain.

NM_153026.3(PRICKLE1):c.1826C>T (p.Pro609Leu)

Gene: PRICKLE1 (prickle planar cell polarity protein 1; minus strand). Cytogenetic location: 12q12.
Variant type: single nucleotide variant.
Coding change: c.1826C>T on transcript NM_153026.3 (MANE Select); coding-DNA position 1826, C replaced by T.
Protein change: p.Pro609Leu; replaces proline 609 with leucine.
Molecular consequence: missense variant.
Genome position (GRCh38, 1-based): chr12:42,460,479, G>A on the plus strand (C>T on the coding strand, the complement: PRICKLE1 is on the minus strand). VCF-style: chr12-42460479-G-A. GRCh37 (hg19) VCF-style: chr12-42854281-G-A.
Other names: c.1826C>T, p.Pro609Leu (NM_001144881.2, NM_001144882.2, NM_001144883.2); short protein forms P609L.
Identifiers: ClinVar variation 836834 (VCV000836834.11), dbSNP rs1937783195, ClinGen allele CA384440802.